The following is an entry in ClinVar:

ClinVar aggregate classification (germline): Likely benign. Review status: criteria provided, single submitter (1 of 4 stars). 2 submissions from 2 submitters: Likely benign (1). 1 of the submissions does not count toward it. Last evaluated 2024-11-26.

Conditions:
ZFHX2-related disorder. Also called: ZFHX2-related condition.

Allele frequency attached by ClinVar (database versions not stated): gnomAD exomes 0.00032; 1000 Genomes Project 30x 0.00172; 1000 Genomes Project 0.00180; ExAC 0.00253; gnomAD 0.00302; TOPMed 0.00349.

Submissions (2):

Blueprint Genetics
Classification: Likely benign. Last evaluated: 2024-11-26. Review status: criteria provided, single submitter. Criteria: ACMG Guidelines, 2015. Collection method: clinical testing. Allele origin: germline.

PreventionGenetics, part of Exact Sciences
Classification: Benign for ZFHX2-related condition. Last evaluated: 2019-07-12. Review status: no assertion criteria provided. Collection method: clinical testing. Allele origin: germline. Not counted in ClinVar's aggregate classification.
Comment: This variant is classified as benign based on ACMG/AMP sequence variant interpretation guidelines (Richards et al. 2015 PMID: 25741868, with internal and published modifications).

NM_033400.3(ZFHX2):c.4194C>T (p.Pro1398=)

Genes: THTPA (thiamine triphosphatase; plus strand), ZFHX2 (zinc finger homeobox 2; minus strand). Cytogenetic location: 14q11.2.
Variant type: single nucleotide variant.
Coding change: c.4194C>T on transcript NM_033400.3 (MANE Select); coding-DNA position 4194, C replaced by T.
Protein change: p.Pro1398=; no amino-acid change (proline 1398 retained).
Molecular consequence: synonymous variant.
Genome position (GRCh38, 1-based): chr14:23,525,748, G>A on the plus strand (C>T on the coding strand, the complement: ZFHX2 is on the minus strand). VCF-style: chr14-23525748-G-A. GRCh37 (hg19) VCF-style: chr14-23994957-G-A.
Identifiers: ClinVar variation 3038770 (VCV003038770.3), dbSNP rs61978617, ClinGen allele CA7116946.
Genomic context (GRCh38, chr14:23,525,748, plus strand): 5'-CTCTTTGGCCATGGGGGGCCGCTCCCACTCCCGCTCAGCCAGCTCAGCCTTGGGAGGTTG[G>A]GGTGGAGGAGGAGGGGTGGCAGCTGGCAGGGACAGCACAGGTGCAGGCCCAGCTAGTGTC-3'
Protein context (NP_207646.2, residues 1388-1408): SLPAATPPPP[Pro1398=]QPPKAELAER